The following is an entry in ClinVar:

NM_000376.3(VDR):c.1095G>A (p.Thr365=)

Gene: VDR (vitamin D receptor; minus strand). Cytogenetic location: 12q13.11.
Variant type: single nucleotide variant.
Coding change: c.1095G>A on transcript NM_000376.3 (MANE Select); coding-DNA position 1095, G replaced by A.
Protein change: p.Thr365=; no amino-acid change (threonine 365 retained).
Molecular consequence: synonymous variant.
Genome position (GRCh38, 1-based): chr12:47,844,935, C>T on the plus strand (G>A on the coding strand, the complement: VDR is on the minus strand). VCF-style: chr12-47844935-C-T. GRCh37 (hg19) VCF-style: chr12-48238718-C-T.
Other names: c.1095G>A, p.Thr365= (NM_001017535.2, NM_001364085.2, NM_001374661.1 and 1 more transcripts); c.1245G>A, p.Thr415= (NM_001017536.2).
Identifiers: ClinVar variation 882577 (VCV000882577.12), dbSNP rs578013785, ClinGen allele CA6533753.

ClinVar aggregate classification (germline): Conflicting classifications of pathogenicity. Review status: criteria provided, conflicting classifications (1 of 4 stars). 3 submissions from 3 submitters: Uncertain significance (1); Likely benign (2). Last evaluated 2026-08-01.

Conditions:
Vitamin D-dependent rickets type II with alopecia (VDDR2A). Also called: Vitamin D-dependent rickets, type 2A; PDDR IIA; PSEUDOVITAMIN D-DEFICIENCY, TYPE IIA; RICKETS, HEREDITARY VITAMIN D-RESISTANT; RICKETS-ALOPECIA SYNDROME; VITAMIN D-DEPENDENT RICKETS, TYPE 2A, WITH OR WITHOUT ALOPECIA. Identifiers: Orphanet 93160, MedGen C0342646, MONDO:0010186, OMIM 277440.

Allele frequency attached by ClinVar (database versions not stated): gnomAD 0.00007 and 0.00006; TOPMed 0.00008; 1000 Genomes Project 30x 0.00016; 1000 Genomes Project 0.00020; ExAC 0.00005; gnomAD exomes 0.00005.
gnomAD v4.1: 74 of 1,614,068 alleles (0.0046%); highest among the groups gnomAD compares: Non-Finnish European, 0.0056%; no homozygotes.

Submissions (3):

CeGaT Center for Human Genetics Tuebingen
Classification: Likely benign. Last evaluated: 2026-08-01. Review status: criteria provided, single submitter. Criteria: CeGaT Center For Human Genetics Tuebingen Variant Classification Criteria Version 2. Collection method: clinical testing. Allele origin: germline. Affected: yes. Observed: 2 variant alleles.
Comment: VDR: BP4, BP7

Labcorp Genetics (formerly Invitae), Labcorp
Classification: Likely benign. Last evaluated: 2024-12-04. Review status: criteria provided, single submitter. Criteria: Invitae Variant Classification Sherloc (09022015). Collection method: clinical testing. Allele origin: germline.

Illumina Laboratory Services, Illumina
Classification: Uncertain significance for Vitamin D-dependent rickets type II with alopecia. Last evaluated: 2018-01-12. Review status: criteria provided, single submitter. Criteria: ICSL Variant Classification Criteria 13 December 2019. Collection method: clinical testing. Allele origin: germline.